The following is an entry in ClinVar:

ClinVar aggregate classification (germline): Uncertain significance. Review status: criteria provided, multiple submitters, no conflicts (2 of 4 stars). 2 submissions from 2 submitters: Uncertain significance (2). Last evaluated 2024-05-17.

Allele frequency attached by ClinVar (database versions not stated): TOPMed below 0.00001; gnomAD 0.00001; gnomAD exomes 0.00001; ExAC 0.00002.
gnomAD v4.1: 19 of 1,613,936 alleles (0.0012%); highest among the groups gnomAD compares: Non-Finnish European, 0.0016%; no homozygotes.

Submissions (2):

Blueprint Genetics
Classification: Uncertain significance. Last evaluated: 2024-05-17. Review status: criteria provided, single submitter. Criteria: ACMG Guidelines, 2015. Collection method: clinical testing. Allele origin: germline.

Labcorp Genetics (formerly Invitae), Labcorp
Classification: Uncertain significance. Last evaluated: 2022-10-13. Review status: criteria provided, single submitter. Criteria: Invitae Variant Classification Sherloc (09022015). Collection method: clinical testing. Allele origin: germline.
Comment: This sequence change falls in intron 70 of the COL7A1 gene. It does not directly change the encoded amino acid sequence of the COL7A1 protein. This variant is present in population databases (rs748253916, gnomAD 0.002%). This variant has not been reported in the literature in individuals affected with COL7A1-related conditions. Algorithms developed to predict the effect of sequence changes on RNA splicing suggest that this variant may disrupt the consensus splice site. In summary, the available evidence is currently insufficient to determine the role of this variant in disease. Therefore, it has been classified as a Variant of Uncertain Significance.

NM_000094.4(COL7A1):c.5821-19A>T

Gene: COL7A1 (collagen type VII alpha 1 chain; minus strand). Cytogenetic location: 3p21.31.
Variant type: single nucleotide variant.
Coding change: c.5821-19A>T on transcript NM_000094.4 (MANE Select); 19 bases into the intron before coding-DNA position 5821, A replaced by T.
Molecular consequence: intron variant.
Genome position (GRCh38, 1-based): chr3:48,575,921, T>A on the plus strand (A>T on the coding strand, the complement: COL7A1 is on the minus strand). VCF-style: chr3-48575921-T-A. GRCh37 (hg19) VCF-style: chr3-48613354-T-A.
Identifiers: ClinVar variation 2148088 (VCV002148088.2), dbSNP rs748253916, ClinGen allele CA2379296.
Genomic context (GRCh38, chr3:48,575,921, plus strand): 5'-ACCCACCTTGATGCCAGCAGTTTCCAGCAACCGATCCACATTCTGGGGACAAAGTCTGGG[T>A]GAAGGGCTGCCCATGACAGAGAAGCTCCTGCCTTCTGCCCCGCACGGCCTCAGGAAAGCA-3'